The following is an entry in ClinVar:

NM_001111.5(ADAR):c.721CTT[1] (p.Leu242del)

Gene: ADAR (adenosine deaminase RNA specific; minus strand). Cytogenetic location: 1q21.3.
Variant type: Microsatellite.
Coding change: c.721CTT[1] on transcript NM_001111.5 (MANE Select); one copy of the 3-base unit CTT starting at c.721; the reference has two copies in a row; one copy, 3 bases deleted.
Protein change: p.Leu242del; deletes leucine 242.
Molecular consequence: inframe deletion. On other transcripts: 5 prime UTR variant (6).
Genome position (GRCh38, 1-based): chr1:154,601,916-154,601,918, AAG deleted on the plus strand (CTT on the coding strand, the reverse complement: ADAR is on the minus strand); deleting any 3 consecutive bases within chr1:154,601,916-154,601,922 gives the same sequence; the position shown is the placement nearest the transcript's 3' end. VCF-style (leftmost placement, unchanged base first): chr1-154601915-CAAG-C. GRCh37 (hg19) VCF-style: chr1-154574391-CAAG-C.
Other names: c.-165CTT[1] (NM_001025107.3, NM_001193495.2, NM_001365046.1 and 3 more transcripts); c.748CTT[1], p.Leu251del (NM_001365045.1); c.721CTT[1], p.Leu242del (NM_015840.4, NM_015841.4); short protein forms L251del, L242del.
Identifiers: ClinVar variation 1946491 (VCV001946491.5), dbSNP rs1416070774, ClinGen allele CA889598811.

ClinVar aggregate classification (germline): Uncertain significance (1 of 4 stars; one submission).

Conditions:
Symmetrical dyschromatosis of extremities (DSH). Also called: DYSCHROMATOSIS SYMMETRICA HEREDITARIA 1; Dyschromatosis symmetrica hereditaria; RETICULATE ACROPIGMENTATION OF DOHI; SYMMETRIC DYSCHROMATOSIS OF THE EXTREMITIES. Identifiers: Orphanet 41, MedGen C0406775, MONDO:0007483, OMIM 127400.
Aicardi-Goutieres syndrome 6 (AGS6). Identifiers: Orphanet 51, MedGen C3539013, MONDO:0014007, OMIM 615010.

Submission:

Labcorp Genetics (formerly Invitae), Labcorp
Classification: Uncertain significance for Aicardi-Goutieres syndrome 6; Symmetrical dyschromatosis of extremities. Last evaluated: 2024-04-12. Review status: criteria provided, single submitter. Criteria: Invitae Variant Classification Sherloc (09022015). Collection method: clinical testing. Allele origin: germline.
Comment: This variant, c.724_726del, results in the deletion of 1 amino acid(s) of the ADAR protein (p.Leu242del), but otherwise preserves the integrity of the reading frame. This variant is not present in population databases (gnomAD no frequency). This variant has not been reported in the literature in individuals affected with ADAR-related conditions. Experimental studies and prediction algorithms are not available or were not evaluated, and the functional significance of this variant is currently unknown. In summary, the available evidence is currently insufficient to determine the role of this variant in disease. Therefore, it has been classified as a Variant of Uncertain Significance.